The following is an entry in ClinVar:

NM_019842.4(KCNQ5):c.1304T>A (p.Ile435Asn)

Gene: KCNQ5 (potassium voltage-gated channel subfamily Q member 5; plus strand). Cytogenetic location: 6q13.
Variant type: single nucleotide variant.
Coding change: c.1304T>A on transcript NM_019842.4 (MANE Select); coding-DNA position 1304, T replaced by A.
Protein change: p.Ile435Asn; replaces isoleucine 435 with asparagine.
Molecular consequence: missense variant. On other transcripts: intron variant (1).
Genome position (GRCh38, 1-based): chr6:73,133,477, T>A. VCF-style: chr6-73133477-T-A. GRCh37 (hg19) VCF-style: chr6-73843200-T-A.
Other names: c.1277T>A, p.Ile426Asn (NM_001160130.2); c.1334T>A, p.Ile445Asn (NM_001160132.2); c.1361T>A, p.Ile454Asn (NM_001160133.2); c.1247+8965T>A (NM_001160134.2); short protein forms I445N, I454N, I426N, I435N.
Identifiers: ClinVar variation 1573411 (VCV001573411.32), dbSNP rs761319100, ClinGen allele CA3887019.

ClinVar aggregate classification (germline): Conflicting classifications of pathogenicity. Review status: criteria provided, conflicting classifications (1 of 4 stars). 2 submissions from 2 submitters: Uncertain significance (1); Benign (1). Last evaluated 2023-01-01.

Allele frequency attached by ClinVar (database versions not stated): TOPMed below 0.00001; ExAC 0.00001; gnomAD 0.00001; gnomAD exomes 0.00001 and 0.00002.
gnomAD v4.1: 15 of 1,614,002 alleles (0.00093%); highest among the groups gnomAD compares: Non-Finnish European, 0.0013%; no homozygotes.

Submissions (2):

CeGaT Center for Human Genetics Tuebingen
Classification: Uncertain significance. Last evaluated: 2023-01-01. Review status: criteria provided, single submitter. Criteria: CeGaT Center For Human Genetics Tuebingen Variant Classification Criteria Version 2. Collection method: clinical testing. Allele origin: germline. Affected: yes. Observed: 1 variant allele.
Comment: KCNQ5: PM2:Supporting

Labcorp Genetics (formerly Invitae), Labcorp
Classification: Benign. Last evaluated: 2022-11-15. Review status: criteria provided, single submitter. Criteria: Invitae Variant Classification Sherloc (09022015). Collection method: clinical testing. Allele origin: germline.